The following is an entry in ClinVar:

NM_001104631.2(PDE4D):c.1644_1645del (p.Cys548_Asp549delinsTer)

Gene: PDE4D (phosphodiesterase 4D; minus strand). Cytogenetic location: 5q11.2.
Variant type: Microsatellite.
Coding change: c.1644_1645del on transcript NM_001104631.2 (MANE Select); coding-DNA positions 1644 to 1645, 2 bases deleted (TG; older notation c.1644_1645delTG).
Protein change: p.Cys548_Asp549delinsTer.
Molecular consequence: nonsense.
Genome position (GRCh38, 1-based): chr5:58,977,253-58,977,254, CA deleted on the plus strand (TG on the coding strand, the reverse complement: PDE4D is on the minus strand); deleting any 2 consecutive bases within chr5:58,977,253-58,977,256 gives the same sequence; the c. name uses the placement nearest the transcript's 3' end. VCF-style (leftmost placement, unchanged base first): chr5-58977252-TCA-T. GRCh37 (hg19) VCF-style: chr5-58273079-TCA-T.
Other names: c.1461_1462del, p.Cys487_Asp488delinsTer (NM_001165899.2, NM_001364599.1); c.1452_1453del, p.Cys484_Asp485delinsTer (NM_001197218.2); c.1278_1279del, p.Cys426_Asp427delinsTer (NM_001197219.2); c.1254_1255del, p.Cys418_Asp419delinsTer (NM_001197220.2); c.738_739del, p.Cys246_Asp247delinsTer (NM_001197221.2, NM_001364603.1); c.972_973del, p.Cys324_Asp325delinsTer (NM_001197222.2); c.771_772del, p.Cys257_Asp258delinsTer (NM_001197223.2); c.1431_1432del, p.Cys477_Asp478delinsTer (NM_001349241.2); and 3 more.
Identifiers: ClinVar variation 3774975 (VCV003774975.1).
Genomic context (GRCh38, chr5:58,977,252, plus strand): 5'-ATGTCAATGACCATTTTCCTTAAAGATTGTCTTTGTTTTTTGGTCAAATTCTGGAAAATG[TCA>T]CAGTTTTCTTCCTGAAGCAATTTAAAGCCCACAGCCAAATGATGGTTCTCTAAGACTGAG-3'

ClinVar aggregate classification (germline): Uncertain significance (1 of 4 stars; one submission).

Submission:

GeneDx
Classification: Uncertain significance. Last evaluated: 2024-09-27. Review status: criteria provided, single submitter. Criteria: GeneDx Variant Classification Process June 2021. Collection method: clinical testing. Allele origin: germline. Affected: yes.
Comment: Not observed at significant frequency in large population cohorts (gnomAD); Nonsense variant predicted to result in protein truncation or nonsense mediated decay in a gene for which loss-of-function is not an established mechanism of disease; Has not been previously published as pathogenic or benign to our knowledge